The following is an entry in ClinVar:

ClinVar aggregate classification (germline): Pathogenic/Likely pathogenic. Review status: criteria provided, multiple submitters, no conflicts (2 of 4 stars). 8 submissions from 8 submitters: Pathogenic (6); Likely pathogenic (2). Last evaluated 2025-01-13.

Conditions:
Multiple congenital anomalies-hypotonia-seizures syndrome 1 (MCAHS1). Also called: GLYCOSYLPHOSPHATIDYLINOSITOL BIOSYNTHESIS DEFECT 3; PIGN-CDG; Congenital disorder of glycosylation due to PIGN deficiency. Identifiers: Orphanet 280633, MedGen C3279775, MONDO:0013563, OMIM 614080.

Allele frequency attached by ClinVar (database versions not stated): gnomAD 0.00001; TOPMed 0.00002; ExAC 0.00003; gnomAD exomes 0.00005.

Submissions (8):

Labcorp Genetics (formerly Invitae), Labcorp
Classification: Pathogenic for Multiple congenital anomalies-hypotonia-seizures syndrome 1. Last evaluated: 2025-01-13. Review status: criteria provided, single submitter. Criteria: Invitae Variant Classification Sherloc (09022015). Collection method: clinical testing. Allele origin: germline.
Comment: This sequence change creates a premature translational stop signal (p.Arg55*) in the PIGN gene. It is expected to result in an absent or disrupted protein product. Loss-of-function variants in PIGN are known to be pathogenic (PMID: 24253414, 27038415). This variant is present in population databases (rs768412580, gnomAD 0.03%). This variant has not been reported in the literature in individuals affected with PIGN-related conditions. ClinVar contains an entry for this variant (Variation ID: 944547). For these reasons, this variant has been classified as Pathogenic.

Fulgent Genetics
Classification: Pathogenic for Multiple congenital anomalies-hypotonia-seizures syndrome 1. Last evaluated: 2024-05-24. Review status: criteria provided, single submitter. Criteria: ACMG Guidelines, 2015. Collection method: clinical testing. Allele origin: germline.

3billion
Classification: Pathogenic for Multiple congenital anomalies-hypotonia-seizures syndrome 1. Last evaluated: 2023-06-01. Review status: criteria provided, single submitter. Criteria: ACMG Guidelines, 2015. Collection method: clinical testing. Allele origin: germline. Affected: yes.
Comment: The variant is observed at an extremely low frequency in the gnomAD v2.1.1 dataset (total allele frequency: 0.005%). Predicted Consequence/Location: Stop-gained (nonsense): predicted to result in a loss or disruption of normal protein function through nonsense-mediated decay (NMD) or protein truncation. Multiple pathogenic variants are reported downstream of the variant. The variant has been reported at least twice as pathogenic with clinical assertions and evidence for the classification (ClinVar ID: VCV000944547 /PMID: 31428121). Therefore, this variant is classified as Pathogenic according to the recommendation of ACMG/AMP guideline.

Institute of Medical Genetics and Applied Genomics, University Hospital Tübingen
Classification: Pathogenic for Multiple congenital anomalies-hypotonia-seizures syndrome 1. Last evaluated: 2022-12-07. Review status: criteria provided, single submitter. Criteria: ACMG Guidelines, 2015. Collection method: clinical testing. Allele origin: germline. Inheritance: Autosomal recessive inheritance. Affected: yes.

GeneDx
Classification: Likely pathogenic. Last evaluated: 2022-02-09. Review status: criteria provided, single submitter. Criteria: GeneDx Variant Classification Process June 2021. Collection method: clinical testing. Allele origin: germline. Affected: yes.
Comment: Nonsense variant predicted to result in protein truncation or nonsense mediated decay in a gene for which loss-of-function is a known mechanism of disease; This variant is associated with the following publications: (PMID: 33502061, 31428121)

Genetics and Genomic Medicine Centre, NeuroGen Healthcare, NeuroGen Healthcare
Classification: Pathogenic for Multiple congenital anomalies-hypotonia-seizures syndrome 1. Last evaluated: 2020-01-11. Review status: criteria provided, single submitter. Criteria: Submitter's publication. Collection method: clinical testing. Allele origin: unknown. Affected: no.

Baylor Genetics
Classification: Likely pathogenic for Multiple congenital anomalies-hypotonia-seizures syndrome 1. Last evaluated: 2019-09-19. Review status: criteria provided, single submitter. Criteria: ACMG Guidelines, 2015. Collection method: clinical testing. Allele origin: unknown. Affected: yes.
Comment: This variant was determined to be likely pathogenic according to ACMG Guidelines, 2015 [PMID:25741868].

Juno Genomics, Hangzhou Juno Genomics, Inc
Classification: Pathogenic for Multiple congenital anomalies-hypotonia-seizures syndrome 1. Review status: criteria provided, single submitter. Criteria: ACMG Guidelines, 2015. Collection method: clinical testing. Allele origin: germline.
Comment: Absent from controls (or at extremely low frequency if recessive) in Genome Aggregation Database.;Null variant in a gene where loss of function (LOF) is a known mechanism of disease.;For recessive disorders, detected in trans with a pathogenic variant.

Literature cited by the submitters: PubMed 24253414 (cited by Labcorp Genetics (formerly Invitae), Labcorp); PubMed 27038415 (cited by Labcorp Genetics (formerly Invitae), Labcorp); PubMed 31428121 (cited by 3billion).

NM_176787.5(PIGN):c.163C>T (p.Arg55Ter)

Gene: PIGN (phosphatidylinositol glycan anchor biosynthesis class N; minus strand). Cytogenetic location: 18q21.33.
Variant type: single nucleotide variant.
Coding change: c.163C>T on transcript NM_176787.5 (MANE Select); coding-DNA position 163, C replaced by T.
Protein change: p.Arg55Ter; replaces arginine 55 with a stop codon.
Molecular consequence: nonsense.
Genome position (GRCh38, 1-based): chr18:62,161,191, G>A on the plus strand (C>T on the coding strand, the complement: PIGN is on the minus strand). VCF-style: chr18-62161191-G-A. GRCh37 (hg19) VCF-style: chr18-59828424-G-A.
Other names: c.163C>T, p.Arg55Ter (NM_012327.6); short protein forms R55*.
Identifiers: ClinVar variation 944547 (VCV000944547.16), dbSNP rs768412580, ClinGen allele CA8982654.
Genomic context (GRCh38, chr18:62,161,191, plus strand): 5'-ACCTAATAAACGGTGCTCTAGAGTTTCCATTTTCATCTAATTCGTAAAGTGCATCTGCTC[G>A]AAGGCCATCAGCAACAAACAACACTAATCTTCTCGCTGGAGGAGGCAATGGTGTAAACTG-3'